The following is an entry in ClinVar:

ClinVar aggregate classification (germline): Pathogenic (1 of 4 stars; one submission).

Conditions:
Cohen syndrome (COH1). Also called: Cutis verticis gyrata, retinitis pigmentosa, and sensorineural deafness; PEPPER SYNDROME. Identifiers: Orphanet 193, MedGen C0265223, MONDO:0008999, OMIM 216550.

Submission:

Labcorp Genetics (formerly Invitae), Labcorp
Classification: Pathogenic for Cohen syndrome. Last evaluated: 2022-04-17. Review status: criteria provided, single submitter. Criteria: Invitae Variant Classification Sherloc (09022015). Collection method: clinical testing. Allele origin: germline.
Comment: For these reasons, this variant has been classified as Pathogenic. This variant has not been reported in the literature in individuals affected with VPS13B-related conditions. This variant is not present in population databases (gnomAD no frequency). This sequence change creates a premature translational stop signal (p.His3258Lysfs*6) in the VPS13B gene. It is expected to result in an absent or disrupted protein product. Loss-of-function variants in VPS13B are known to be pathogenic (PMID: 15141358, 16648375, 20461111).

Literature cited by the submitters: PubMed 15141358; PubMed 16648375; PubMed 20461111.

NM_152564.5(VPS13B):c.9697_9700delinsAAG (p.His3233fs)

Gene: VPS13B (vacuolar protein sorting 13 homolog B; plus strand). Cytogenetic location: 8q22.2.
Variant type: Indel.
Coding change: c.9697_9700delinsAAG on transcript NM_152564.5 (MANE Select); coding-DNA positions 9697 to 9700, CACA replaced by AAG.
Protein change: p.His3233fs; shifts the reading frame from histidine 3233.
Molecular consequence: frameshift variant.
Genome position (GRCh38, 1-based): chr8:99,835,279-99,835,282, CACA replaced by AAG. VCF-style: chr8-99835279-CACA-AAG. GRCh37 (hg19) VCF-style: chr8-100847507-CACA-AAG.
Other names: c.9772_9775delinsAAG, p.His3258fs (NM_017890.5); short protein forms H3258fs, H3233fs.
Identifiers: ClinVar variation 2091866 (VCV002091866.4), dbSNP rs2492120101, ClinGen allele CA2580079308.